The following is an entry in ClinVar:

ClinVar aggregate classification (germline): Uncertain significance (1 of 4 stars; one submission).

Conditions:
Symmetrical dyschromatosis of extremities (DSH). Also called: DYSCHROMATOSIS SYMMETRICA HEREDITARIA 1; RETICULATE ACROPIGMENTATION OF DOHI; SYMMETRIC DYSCHROMATOSIS OF THE EXTREMITIES; Dyschromatosis symmetrica hereditaria. Identifiers: Orphanet 41, MedGen C0406775, MONDO:0007483, OMIM 127400.
Aicardi-Goutieres syndrome 6 (AGS6). Identifiers: Orphanet 51, MedGen C3539013, MONDO:0014007, OMIM 615010.

Submission:

Labcorp Genetics (formerly Invitae), Labcorp
Classification: Uncertain significance for Aicardi-Goutieres syndrome 6; Symmetrical dyschromatosis of extremities. Last evaluated: 2021-10-13. Review status: criteria provided, single submitter. Criteria: Invitae Variant Classification Sherloc (09022015). Collection method: clinical testing. Allele origin: germline.
Comment: In summary, the available evidence is currently insufficient to determine the role of this variant in disease. Therefore, it has been classified as a Variant of Uncertain Significance. Algorithms developed to predict the effect of sequence changes on RNA splicing suggest that this variant may create or strengthen a splice site. Algorithms developed to predict the effect of missense changes on protein structure and function are either unavailable or do not agree on the potential impact of this missense change (SIFT: "Deleterious"; PolyPhen-2: "Benign"; Align-GVGD: "Class C0"). This variant has not been reported in the literature in individuals affected with ADAR-related conditions. This variant is not present in population databases (ExAC no frequency). This sequence change replaces threonine with serine at codon 818 of the ADAR protein (p.Thr818Ser). The threonine residue is weakly conserved and there is a small physicochemical difference between threonine and serine.

NM_001111.5(ADAR):c.2453C>G (p.Thr818Ser)

Gene: ADAR (adenosine deaminase RNA specific; minus strand). Cytogenetic location: 1q21.3.
Variant type: single nucleotide variant.
Coding change: c.2453C>G on transcript NM_001111.5 (MANE Select); coding-DNA position 2453, C replaced by G.
Protein change: p.Thr818Ser; replaces threonine 818 with serine.
Molecular consequence: missense variant. On other transcripts: intron variant (3).
Genome position (GRCh38, 1-based): chr1:154,590,227, G>C on the plus strand (C>G on the coding strand, the complement: ADAR is on the minus strand). VCF-style: chr1-154590227-G-C. GRCh37 (hg19) VCF-style: chr1-154562703-G-C.
Other names: c.1568C>G, p.Thr523Ser (NM_001025107.3, NM_001193495.2, NM_001365046.1 and 2 more transcripts); c.2480C>G, p.Thr827Ser (NM_001365045.1); c.1533+35C>G (NM_001365049.1); c.2361+35C>G (NM_015841.4); c.2418+35C>G (NM_015840.4); short protein forms T818S, T523S, T827S.
Identifiers: ClinVar variation 1442585 (VCV001442585.6), dbSNP rs2101588346, ClinGen allele CA342637221.